The following is an entry in ClinVar:

NM_000368.5(TSC1):c.2191G>A (p.Glu731Lys)

Gene: TSC1 (TSC complex subunit 1; minus strand). Cytogenetic location: 9q34.13.
Variant type: single nucleotide variant.
Coding change: c.2191G>A on transcript NM_000368.5 (MANE Select); coding-DNA position 2191, G replaced by A.
Protein change: p.Glu731Lys; replaces glutamic acid 731 with lysine.
Molecular consequence: missense variant. On other transcripts: non-coding transcript variant (4).
Genome position (GRCh38, 1-based): chr9:132,903,668, C>T on the plus strand (G>A on the coding strand, the complement: TSC1 is on the minus strand). VCF-style: chr9-132903668-C-T. GRCh37 (hg19) VCF-style: chr9-135779055-C-T.
Other names: c.2188G>A, p.Glu730Lys (NM_001162426.2, NM_001406597.1, NM_001406598.1 and 4 more transcripts); c.2038G>A, p.Glu680Lys (NM_001162427.2, NM_001406610.1); c.1828G>A, p.Glu610Lys (NM_001362177.2, NM_001406614.1, NM_001406615.1 and 5 more transcripts); c.2191G>A, p.Glu731Lys (NM_001406592.1, NM_001406593.1, NM_001406594.1 and 5 more transcripts); c.2176G>A, p.Glu726Lys (NM_001406601.1, NM_001406602.1); c.2035G>A, p.Glu679Lys (NM_001406613.1, NM_001406611.1, NM_001406612.1); c.1825G>A, p.Glu609Lys (NM_001406620.1, NM_001406621.1, NM_001406622.1 and 2 more transcripts); c.1240G>A, p.Glu414Lys (NM_001406626.1); and 3 more; short protein forms E380K, E413K, E414K, E609K, E610K, E679K, E680K, E725K.
Identifiers: ClinVar variation 2679312 (VCV002679312.2), dbSNP rs397514820, ClinGen allele CA375360656.
Genomic context (GRCh38, chr9:132,903,668, plus strand): 5'-AAAACAAAAAGCAAGCTCCACCTGTCCCCTCCCCAGTCCTCACCATGGCAGCATTATGTT[C>T]CTCCAGAGCTGCTGCTTTGATCACCTTGCGGAGGAGCCGCCTGTTCCGGAGGGCATGCTG-3'
Protein context (NP_000359.1, residues 721-741): RKVIKAAALE[Glu731Lys]HNAAMKDQLK

ClinVar aggregate classification (germline): Uncertain significance. Review status: criteria provided, multiple submitters, no conflicts (2 of 4 stars). 2 submissions from 2 submitters: Uncertain significance (2). Last evaluated 2026-05-28.

Conditions:
Isolated focal cortical dysplasia type II (FCORD2). Also called: CORTICAL DYSPLASIA OF TAYLOR; Focal cortical dysplasia type II. Identifiers: Orphanet 268994, MedGen C1846385, MONDO:0011818, OMIM 607341, HP:0032051.
Hereditary cancer-predisposing syndrome. Also called: Tumor predisposition; Hereditary neoplastic syndrome; Neoplastic Syndromes, Hereditary; Hereditary Cancer Syndrome. Identifiers: Orphanet 140162, MedGen C0027672, MeSH D009386, MONDO:0015356.

Submissions (2):

Ambry Genetics
Classification: Uncertain significance for Hereditary cancer-predisposing syndrome. Last evaluated: 2026-05-28. Review status: criteria provided, single submitter. Criteria: Ambry Variant Classification Scheme 2023. Collection method: clinical testing. Allele origin: germline.
Comment: The p.E731K variant (also known as c.2191G>A), located in coding exon 15 of the TSC1 gene, results from a G to A substitution at nucleotide position 2191. The glutamic acid at codon 731 is replaced by lysine, an amino acid with similar properties. This amino acid position is highly conserved in available vertebrate species. In addition, this alteration is predicted to be deleterious by in silico analysis. Based on the available evidence, the clinical significance of this variant remains unclear.

Baylor Genetics
Classification: Uncertain significance for Isolated focal cortical dysplasia type II. Last evaluated: 2023-06-21. Review status: criteria provided, single submitter. Criteria: ACMG Guidelines, 2015. Collection method: clinical testing. Allele origin: unknown.